The following is an entry in ClinVar:

NM_006493.4(CLN5):c.573G>A (p.Met191Ile)

Gene: CLN5 (CLN5 lysosomal BMP synthase; plus strand). Cytogenetic location: 13q22.3.
Variant type: single nucleotide variant.
Coding change: c.573G>A on transcript NM_006493.4 (MANE Select); coding-DNA position 573, G replaced by A.
Protein change: p.Met191Ile; replaces methionine 191 with isoleucine.
Molecular consequence: missense variant. On other transcripts: 3 prime UTR variant (1).
Genome position (GRCh38, 1-based): chr13:77,000,465, G>A. VCF-style: chr13-77000465-G-A. GRCh37 (hg19) VCF-style: chr13-77574600-G-A.
Other names: c.*22G>A (NM_001366624.2); short protein forms M191I.
Identifiers: ClinVar variation 1480843 (VCV001480843.5), dbSNP rs2034339154, ClinGen allele CA388311164.

ClinVar aggregate classification (germline): Uncertain significance (1 of 4 stars; one submission).

Conditions:
Neuronal ceroid lipofuscinosis. Also called: Neuronal Ceroid Lipofuscinoses. Identifiers: Orphanet 216, Orphanet 79263, MedGen C0027877, MONDO:0016295. Disease mechanism: loss of function.

Allele frequency attached by ClinVar (database versions not stated): gnomAD exomes 0.00001.

Submission:

Labcorp Genetics (formerly Invitae), Labcorp
Classification: Uncertain significance for Neuronal ceroid lipofuscinosis. Last evaluated: 2022-09-01. Review status: criteria provided, single submitter. Criteria: Invitae Variant Classification Sherloc (09022015). Collection method: clinical testing. Allele origin: germline.
Comment: This sequence change replaces methionine, which is neutral and non-polar, with isoleucine, which is neutral and non-polar, at codon 240 of the CLN5 protein (p.Met240Ile). This variant is not present in population databases (gnomAD no frequency). This variant has not been reported in the literature in individuals affected with CLN5-related conditions. ClinVar contains an entry for this variant (Variation ID: 1480843). Algorithms developed to predict the effect of missense changes on protein structure and function output the following: SIFT: "Tolerated"; PolyPhen-2: "Benign"; Align-GVGD: "Class C0". The isoleucine amino acid residue is found in multiple mammalian species, which suggests that this missense change does not adversely affect protein function. In summary, the available evidence is currently insufficient to determine the role of this variant in disease. Therefore, it has been classified as a Variant of Uncertain Significance.